The following is an entry in ClinVar:

ClinVar aggregate classification (germline): Uncertain significance (1 of 4 stars; one submission).

gnomAD v4.1: 3 of 1,390,922 alleles (0.00022%); highest among the groups gnomAD compares: Non-Finnish European, 0.00028%; no homozygotes.

Submission:

Mayo Clinic Laboratories, Mayo Clinic
Classification: Uncertain significance. Last evaluated: 2025-07-17. Review status: criteria provided, single submitter. Criteria: ACMG Guidelines, 2015. Collection method: clinical testing. Allele origin: germline. Observed: 1 variant allele.
Comment: BP4_moderate, PM2_supporting

NM_080605.4(B3GALT6):c.494C>T (p.Ala165Val)

Gene: B3GALT6 (beta-1,3-galactosyltransferase 6; plus strand). Cytogenetic location: 1p36.33.
Variant type: single nucleotide variant.
Coding change: c.494C>T on transcript NM_080605.4 (MANE Select); coding-DNA position 494, C replaced by T.
Protein change: p.Ala165Val; replaces alanine 165 with valine.
Molecular consequence: missense variant.
Genome position (GRCh38, 1-based): chr1:1,232,772, C>T. VCF-style: chr1-1232772-C-T. GRCh37 (hg19) VCF-style: chr1-1168152-C-T.
Other names: p.Ala165Val; short protein forms A165V.
Identifiers: ClinVar variation 4540991 (VCV004540991.1).